The following is an entry in ClinVar:

NM_001846.4(COL4A2):c.2262_2274dup (p.Gly759fs)

Gene: COL4A2 (collagen type IV alpha 2 chain; plus strand). Cytogenetic location: 13q34.
Variant type: Duplication.
Coding change: c.2262_2274dup on transcript NM_001846.4 (MANE Select); coding-DNA positions 2262 to 2274, 13 bases duplicated (CCCAGGTCCCATC).
Protein change: p.Gly759fs; shifts the reading frame from glycine 759.
Molecular consequence: frameshift variant.
Genome position (GRCh38, 1-based): chr13:110,472,987-110,472,999, CCCAGGTCCCATC duplicated; duplicating any 13 consecutive bases within chr13:110,472,984-110,472,999 gives the same sequence; the c. name uses the placement nearest the transcript's 3' end. VCF-style (leftmost placement, unchanged base first): chr13-110472983-G-GATCCCCAGGTCCC. GRCh37 (hg19) VCF-style: chr13-111125330-G-GATCCCCAGGTCCC.
Other names: short protein forms G759fs.
Identifiers: ClinVar variation 2851323 (VCV002851323.3), dbSNP rs2502142349, ClinGen allele CA2739277741.

ClinVar aggregate classification (germline): Pathogenic (1 of 4 stars; one submission).

Submission:

Labcorp Genetics (formerly Invitae), Labcorp
Classification: Pathogenic. Last evaluated: 2023-10-15. Review status: criteria provided, single submitter. Criteria: Invitae Variant Classification Sherloc (09022015). Collection method: clinical testing. Allele origin: germline.
Comment: This sequence change creates a premature translational stop signal (p.Gly759Profs*42) in the COL4A2 gene. It is expected to result in an absent or disrupted protein product. Loss-of-function variants in COL4A2 are known to be pathogenic (PMID: 22333902, 30315939). This variant is not present in population databases (gnomAD no frequency). This variant has not been reported in the literature in individuals affected with COL4A2-related conditions. For these reasons, this variant has been classified as Pathogenic.

Literature cited by the submitters: PubMed 22333902; PubMed 30315939.